The following is an entry in ClinVar:

ClinVar aggregate classification (germline): Conflicting classifications of pathogenicity. Review status: criteria provided, conflicting classifications (1 of 4 stars). 6 submissions from 5 submitters: Uncertain significance (1); Benign (2); Likely benign (3). Last evaluated 2026-01-04.

Conditions:
X-linked agammaglobulinemia with growth hormone deficiency (IGHD3). Also called: ISOLATED GROWTH HORMONE DEFICIENCY, TYPE III, WITH AGAMMAGLOBULINEMIA; Isolated growth hormone deficiency type 3; Growth hormone deficiency with hypogammaglobulinemia; AGAMMAGLOBULINEMIA AND ISOLATED GROWTH HORMONE DEFICIENCY, X-LINKED; FLEISHER SYNDROME; HYPOGAMMAGLOBULINEMIA AND ISOLATED GROWTH HORMONE DEFICIENCY, X-LINKED. Identifiers: Orphanet 231692, Orphanet 631, MedGen C0472813, MONDO:0010615, OMIM 307200.
X-linked agammaglobulinemia (XLA). Also called: Bruton-type agammaglobulinemia; Bruton's agammaglobulinemia; AGAMMAGLOBULINEMIA, X-LINKED, TYPE 1; Agammaglobulinemia, Bruton tyrosine kinase; Agammaglobulinemia, BTK; BTK-deficiency. Identifiers: Orphanet 229717, Orphanet 47, MedGen C0221026, MONDO:0010421, OMIM 300755.

Allele frequency attached by ClinVar (database versions not stated): TOPMed 0.00012.
gnomAD v4.1: 198 of 1,209,692 alleles (0.016%); highest among the groups gnomAD compares: Middle Eastern, 0.023%; no homozygotes.

Submissions (6):

Labcorp Genetics (formerly Invitae), Labcorp
Classification: Benign for X-linked agammaglobulinemia with growth hormone deficiency. Last evaluated: 2026-01-04. Review status: criteria provided, single submitter. Criteria: Invitae Variant Classification Sherloc (09022015). Collection method: clinical testing. Allele origin: germline.

Blueprint Genetics
Classification: Likely benign. Last evaluated: 2024-11-01. Review status: criteria provided, single submitter. Criteria: ACMG Guidelines, 2015. Collection method: clinical testing. Allele origin: germline.

Women's Health and Genetics/Laboratory Corporation of America, LabCorp
Classification: Likely benign. Last evaluated: 2024-04-03. Review status: criteria provided, single submitter. Criteria: LabCorp Variant Classification Summary - May 2015. Collection method: clinical testing. Allele origin: germline.

CeGaT Center for Human Genetics Tuebingen
Classification: Likely benign. Last evaluated: 2023-02-01. Review status: criteria provided, single submitter. Criteria: CeGaT Center For Human Genetics Tuebingen Variant Classification Criteria Version 2. Collection method: clinical testing. Allele origin: germline. Affected: yes. Observed: 2 variant alleles.
Comment: BTK: BS2

Illumina Laboratory Services, Illumina
Classification: Benign for X-linked agammaglobulinemia. Last evaluated: 2018-01-12. Review status: criteria provided, single submitter. Criteria: ICSL Variant Classification Criteria 13 December 2019. Collection method: clinical testing. Allele origin: germline.
Comment: This variant was observed in the ICSL laboratory as part of a predisposition screen in an ostensibly healthy population. It had not been previously curated by ICSL or reported in the Human Gene Mutation Database (HGMD: prior to June 1st, 2018), and was therefore a candidate for classification through an automated scoring system. Utilizing variant allele frequency, disease prevalence and penetrance estimates, and inheritance mode, an automated score was calculated to assess if this variant is too frequent to cause the disease. Based on the score and internal cut-off values, a variant classified as benign is not then subjected to further curation. The score for this variant resulted in a classification of benign for this disease.

Illumina Laboratory Services, Illumina
Classification: Uncertain significance for X-linked agammaglobulinemia with growth hormone deficiency. Last evaluated: 2018-01-12. Review status: criteria provided, single submitter. Criteria: ICSL Variant Classification Criteria 13 December 2019. Collection method: clinical testing. Allele origin: germline.

NM_000061.3(BTK):c.520+15C>T

Gene: BTK (Bruton tyrosine kinase; minus strand). Cytogenetic location: Xq22.1.
Variant type: single nucleotide variant.
Coding change: c.520+15C>T on transcript NM_000061.3 (MANE Select); 15 bases into the intron after coding-DNA position 520, C replaced by T.
Molecular consequence: intron variant.
Genome position (GRCh38, 1-based): chrX:101,362,546, G>A on the plus strand (C>T on the coding strand, the complement: BTK is on the minus strand). VCF-style: chrX-101362546-G-A. GRCh37 (hg19) VCF-style: chrX-100617534-G-A.
Other names: c.622+15C>T (NM_001287344.2); c.520+15C>T (NM_001287345.2).
Identifiers: ClinVar variation 367698 (VCV000367698.37), dbSNP rs782697907, ClinGen allele CA10473165.
Genomic context (GRCh38, chrX:101,362,546, plus strand): 5'-TGGGCTTGACAGACCCTTGGGAGAGTGATGGAAACAGTCAAAGGAGAAAGAAATTATATC[G>A]ATCAGATTGCTTACTTCCATTCCTGTTCTCCAAAATTTGGCAGCCCATAGCATTTTTGGC-3'